The following is an entry in ClinVar:

NM_004360.5(CDH1):c.1989C>T (p.Tyr663=)

Gene: CDH1 (cadherin 1; plus strand). Cytogenetic location: 16q22.1.
Variant type: single nucleotide variant.
Coding change: c.1989C>T on transcript NM_004360.5 (MANE Select); coding-DNA position 1989, C replaced by T.
Protein change: p.Tyr663=; no amino-acid change (tyrosine 663 retained).
Molecular consequence: synonymous variant.
Genome position (GRCh38, 1-based): chr16:68,823,451, C>T. VCF-style: chr16-68823451-C-T. GRCh37 (hg19) VCF-style: chr16-68857354-C-T.
Other names: c.1806C>T, p.Tyr602= (NM_001317184.2); c.441C>T, p.Tyr147= (NM_001317185.2); c.24C>T, p.Tyr8= (NM_001317186.2).
Identifiers: ClinVar variation 2699184 (VCV002699184.4), dbSNP rs2543945387, ClinGen allele CA496393085.

ClinVar aggregate classification (germline): Benign/Likely benign. Review status: criteria provided, multiple submitters, no conflicts (2 of 4 stars). 2 submissions from 2 submitters: Benign (1); Likely benign (1). Last evaluated 2025-12-09.

Conditions:
Hereditary diffuse gastric adenocarcinoma (HDGC). Also called: DIFFUSE GASTRIC AND LOBULAR BREAST CANCER SYNDROME. Identifiers: Orphanet 26106, MedGen C1708349, MONDO:0007648, OMIM 137215.

Allele frequency attached by ClinVar (database versions not stated): gnomAD exomes below 0.00001.
gnomAD v4.1: 1 of 1,614,012 alleles (0.000062%); highest among the groups gnomAD compares: Non-Finnish European, 0.000085%; no homozygotes.

Submissions (2):

Labcorp Genetics (formerly Invitae), Labcorp
Classification: Likely benign for Hereditary diffuse gastric adenocarcinoma. Last evaluated: 2025-12-09. Review status: criteria provided, single submitter. Criteria: Invitae Variant Classification Sherloc (09022015). Collection method: clinical testing. Allele origin: germline.

Myriad Genetics, Inc.
Classification: Benign for Hereditary diffuse gastric adenocarcinoma. Last evaluated: 2024-09-20. Review status: criteria provided, single submitter. Criteria: Myriad Autosomal Dominant, Autosomal Recessive and X-Linked Classification Criteria (2023). Collection method: clinical testing. Allele origin: unknown.
Comment: This variant is considered benign. This variant is a silent/synonymous amino acid change and it is not expected to impact splicing.